The following is an entry in ClinVar:

NM_005739.4(RASGRP1):c.1028C>T (p.Ala343Val)

Gene: RASGRP1 (RAS guanyl releasing protein 1; minus strand). Cytogenetic location: 15q14.
Variant type: single nucleotide variant.
Coding change: c.1028C>T on transcript NM_005739.4 (MANE Select); coding-DNA position 1028, C replaced by T.
Protein change: p.Ala343Val; replaces alanine 343 with valine.
Molecular consequence: missense variant.
Genome position (GRCh38, 1-based): chr15:38,507,940, G>A on the plus strand (C>T on the coding strand, the complement: RASGRP1 is on the minus strand). VCF-style: chr15-38507940-G-A. GRCh37 (hg19) VCF-style: chr15-38800141-G-A.
Other names: c.1028C>T, p.Ala343Val (NM_001128602.2, NM_001306086.2); short protein forms A343V.
Identifiers: ClinVar variation 1955452 (VCV001955452.3), dbSNP rs2542885848, ClinGen allele CA391666592.
Genomic context (GRCh38, chr15:38,507,940, plus strand): 5'-ATGAGGTCCTTGAGATGCACACCCAGAATGGGGATCTTGAAGTCGGTGCACTCTCCATAG[G>A]CTCGCCGGTAATTGTCGTAGTTTCTGGAGGAGGACAGCAGCTCAGTCATCTCACCGAGAA-3'
Protein context (NP_005730.2, residues 333-353): SSRNYDNYRR[Ala343Val]YGECTDFKIP

ClinVar aggregate classification (germline): Uncertain significance (1 of 4 stars; one submission).

Allele frequency attached by ClinVar (database versions not stated): gnomAD exomes below 0.00001.
gnomAD v4.1: 2 of 1,612,152 alleles (0.00012%); highest among the groups gnomAD compares: Non-Finnish European, 0.00017%; no homozygotes.

Submission:

Labcorp Genetics (formerly Invitae), Labcorp
Classification: Uncertain significance. Last evaluated: 2022-07-06. Review status: criteria provided, single submitter. Criteria: Invitae Variant Classification Sherloc (09022015). Collection method: clinical testing. Allele origin: germline.
Comment: In summary, the available evidence is currently insufficient to determine the role of this variant in disease. Therefore, it has been classified as a Variant of Uncertain Significance. Algorithms developed to predict the effect of missense changes on protein structure and function (SIFT, PolyPhen-2, Align-GVGD) all suggest that this variant is likely to be tolerated. This variant has not been reported in the literature in individuals affected with RASGRP1-related conditions. This variant is not present in population databases (gnomAD no frequency). This sequence change replaces alanine, which is neutral and non-polar, with valine, which is neutral and non-polar, at codon 343 of the RASGRP1 protein (p.Ala343Val).